The following is an entry in ClinVar:

ClinVar aggregate classification (germline): Benign/Likely benign. Review status: criteria provided, multiple submitters, no conflicts (2 of 4 stars). 5 submissions from 5 submitters: Benign (1); Likely benign (4). Last evaluated 2026-01-29.

Conditions:
Deficiency of alpha-mannosidase (MANSA). Also called: Alpha-Mannosidosis; LYSOSOMAL ALPHA-D-MANNOSIDASE DEFICIENCY; Mannosidosis, alpha-, types I and II. Identifiers: Orphanet 61, MedGen C0024748, MONDO:0009561, OMIM 248500.

Allele frequency attached by ClinVar (database versions not stated): ESP Exome Variant Server 0.00023; gnomAD 0.00041 and 0.00052; TOPMed 0.00042; 1000 Genomes Project 30x 0.00047; gnomAD exomes 0.00053 and 0.00079; 1000 Genomes Project 0.00060; ExAC 0.00090.
gnomAD v4.1: 860 of 1,610,302 alleles (0.053%); highest among the groups gnomAD compares: South Asian, 0.34%; 4 homozygotes.

Submissions (5):

Labcorp Genetics (formerly Invitae), Labcorp
Classification: Benign for Deficiency of alpha-mannosidase. Last evaluated: 2026-01-29. Review status: criteria provided, single submitter. Criteria: Invitae Variant Classification Sherloc (09022015). Collection method: clinical testing. Allele origin: germline.

Mayo Clinic Laboratories, Mayo Clinic
Classification: Likely benign. Last evaluated: 2025-10-13. Review status: criteria provided, single submitter. Criteria: ACMG Guidelines, 2015. Collection method: clinical testing. Allele origin: germline. Observed: 3 variant alleles.
Comment: BS1

Blueprint Genetics
Classification: Likely benign. Last evaluated: 2024-10-29. Review status: criteria provided, single submitter. Criteria: ACMG Guidelines, 2015. Collection method: clinical testing. Allele origin: germline.

Illumina Laboratory Services, Illumina
Classification: Likely benign for Deficiency of alpha-mannosidase. Last evaluated: 2018-01-13. Review status: criteria provided, single submitter. Criteria: ICSL Variant Classification Criteria 13 December 2019. Collection method: clinical testing. Allele origin: germline.
Comment: This variant was observed in the ICSL laboratory as part of a predisposition screen in an ostensibly healthy population. It had not been previously curated by ICSL or reported in the Human Gene Mutation Database (HGMD: prior to June 1st, 2018), and was therefore a candidate for classification through an automated scoring system. Utilizing variant allele frequency, disease prevalence and penetrance estimates, and inheritance mode, an automated score was calculated to assess if this variant is too frequent to cause the disease. Based on the score and internal cut-off values, a variant classified as likely benign is not then subjected to further curation. The score for this variant resulted in a classification of likely benign for this disease.

Breakthrough Genomics
Classification: Likely benign. Review status: criteria provided, single submitter. Criteria: ACMG Guidelines, 2015. Collection method: not provided. Allele origin: germline. Inheritance: Autosomal recessive inheritance. Affected: yes.

NM_000528.4(MAN2B1):c.630+12G>C

Gene: MAN2B1 (mannosidase alpha class 2B member 1; minus strand). Cytogenetic location: 19p13.13.
Variant type: single nucleotide variant.
Coding change: c.630+12G>C on transcript NM_000528.4 (MANE Select); 12 bases into the intron after coding-DNA position 630, G replaced by C.
Molecular consequence: intron variant.
Genome position (GRCh38, 1-based): chr19:12,664,780, C>G on the plus strand (G>C on the coding strand, the complement: MAN2B1 is on the minus strand). VCF-style: chr19-12664780-C-G. GRCh37 (hg19) VCF-style: chr19-12775594-C-G.
Other names: p.?; c.630+12G>C (NM_001173498.2).
Identifiers: ClinVar variation 328279 (VCV000328279.15), dbSNP rs368271384, ClinGen allele CA9226760.